The following is an entry in ClinVar:

NM_001330260.2(SCN8A):c.1906A>G (p.Ser636Gly)

Gene: SCN8A (sodium voltage-gated channel alpha subunit 8; plus strand). Cytogenetic location: 12q13.13.
Variant type: single nucleotide variant.
Coding change: c.1906A>G on transcript NM_001330260.2 (MANE Select); coding-DNA position 1906, A replaced by G.
Protein change: p.Ser636Gly; replaces serine 636 with glycine.
Molecular consequence: missense variant.
Genome position (GRCh38, 1-based): chr12:51,721,816, A>G. VCF-style: chr12-51721816-A-G. GRCh37 (hg19) VCF-style: chr12-52115600-A-G.
Other names: c.1906A>G, p.Ser636Gly (NM_001177984.3, NM_001369788.1, NM_014191.4); short protein forms S636G.
Identifiers: ClinVar variation 1714320 (VCV001714320.5), dbSNP rs2138783052, ClinGen allele CA385229832.

ClinVar aggregate classification (germline): Uncertain significance (1 of 4 stars; one submission).

Conditions:
Early-infantile DEE. Also called: Early infantile epileptic encephalopathy with suppression bursts; Early infantile epileptic encephalopathy; Ohtahara syndrome. Identifiers: Orphanet 1934, MedGen C0393706, MONDO:0800491.

Allele frequency attached by ClinVar (database versions not stated): gnomAD exomes below 0.00001.
gnomAD v4.1: 1 of 1,607,434 alleles (0.000062%); highest among the groups gnomAD compares: Non-Finnish European, 0.000085%; no homozygotes.

Submission:

Labcorp Genetics (formerly Invitae), Labcorp
Classification: Uncertain significance for Early-infantile DEE. Last evaluated: 2022-08-09. Review status: criteria provided, single submitter. Criteria: Invitae Variant Classification Sherloc (09022015). Collection method: clinical testing. Allele origin: germline.
Comment: This sequence change replaces serine, which is neutral and polar, with glycine, which is neutral and non-polar, at codon 636 of the SCN8A protein (p.Ser636Gly). This variant is not present in population databases (gnomAD no frequency). This variant has not been reported in the literature in individuals affected with SCN8A-related conditions. Algorithms developed to predict the effect of missense changes on protein structure and function (SIFT, PolyPhen-2, Align-GVGD) all suggest that this variant is likely to be tolerated. In summary, the available evidence is currently insufficient to determine the role of this variant in disease. Therefore, it has been classified as a Variant of Uncertain Significance.